The following is an entry in ClinVar:

NM_005862.3(STAG1):c.188G>A (p.Gly63Glu)

Gene: STAG1 (STAG1 cohesin complex component; minus strand). Cytogenetic location: 3q22.3.
Variant type: single nucleotide variant.
Coding change: c.188G>A on transcript NM_005862.3 (MANE Select); coding-DNA position 188, G replaced by A.
Protein change: p.Gly63Glu; replaces glycine 63 with glutamic acid.
Molecular consequence: missense variant.
Genome position (GRCh38, 1-based): chr3:136,604,418, C>T on the plus strand (G>A on the coding strand, the complement: STAG1 is on the minus strand). VCF-style: chr3-136604418-C-T. GRCh37 (hg19) VCF-style: chr3-136323260-C-T.
Other names: short protein forms G63E.
Identifiers: ClinVar variation 3354446 (VCV003354446.4).

ClinVar aggregate classification (germline): Uncertain significance. Review status: criteria provided, multiple submitters, no conflicts (2 of 4 stars). 3 submissions from 3 submitters: Uncertain significance (2). 1 of the submissions does not count toward it. Last evaluated 2025-12-16.

Conditions:
Inborn genetic diseases. Identifiers: MedGen C0950123, MeSH D030342.
STAG1-related disorder. Also called: STAG1-related disorders.

gnomAD v4.1: 14 of 1,613,426 alleles (0.00087%); highest among the groups gnomAD compares: Non-Finnish European, 0.0011%; no homozygotes.

Submissions (3):

Ambry Genetics
Classification: Uncertain significance for Inborn genetic diseases. Last evaluated: 2025-12-16. Review status: criteria provided, single submitter. Criteria: Ambry Variant Classification Scheme 2023. Collection method: clinical testing. Allele origin: germline.

Labcorp Genetics (formerly Invitae), Labcorp
Classification: Uncertain significance. Last evaluated: 2024-06-15. Review status: criteria provided, single submitter. Criteria: Invitae Variant Classification Sherloc (09022015). Collection method: clinical testing. Allele origin: germline.
Comment: This sequence change replaces glycine, which is neutral and non-polar, with glutamic acid, which is acidic and polar, at codon 63 of the STAG1 protein (p.Gly63Glu). This variant is not present in population databases (gnomAD no frequency). This variant has not been reported in the literature in individuals affected with STAG1-related conditions. Advanced modeling of protein sequence and biophysical properties (such as structural, functional, and spatial information, amino acid conservation, physicochemical variation, residue mobility, and thermodynamic stability) performed at Invitae indicates that this missense variant is not expected to disrupt STAG1 protein function with a negative predictive value of 80%. In summary, the available evidence is currently insufficient to determine the role of this variant in disease. Therefore, it has been classified as a Variant of Uncertain Significance.

PreventionGenetics, part of Exact Sciences
Classification: Uncertain significance for STAG1-related condition. Last evaluated: 2024-03-22. Review status: no assertion criteria provided. Collection method: clinical testing. Allele origin: germline. Not counted in ClinVar's aggregate classification.
Comment: The STAG1 c.188G>A variant is predicted to result in the amino acid substitution p.Gly63Glu. To our knowledge, this variant has not been reported in the literature or in a large population database, indicating this variant is rare. At this time, the clinical significance of this variant is uncertain due to the absence of conclusive functional and genetic evidence.